The following is an entry in ClinVar:

ClinVar aggregate classification (germline): Uncertain significance. Review status: criteria provided, multiple submitters, no conflicts (2 of 4 stars). 2 submissions from 2 submitters: Uncertain significance (2). Last evaluated 2025-08-07.

Conditions:
Autosomal recessive spinocerebellar ataxia 14. Also called: CEREBELLAR ATAXIA, AUTOSOMAL RECESSIVE, SPECTRIN-ASSOCIATED, 1. Identifiers: Orphanet 352403, MedGen C4706415, MONDO:0014159, OMIM 615386.

Allele frequency attached by ClinVar (database versions not stated): gnomAD exomes 0.00001; TOPMed 0.00001; ExAC 0.00001.
gnomAD v4.1: 12 of 1,614,142 alleles (0.00074%); highest among the groups gnomAD compares: East Asian, 0.0022%; no homozygotes.

Submissions (2):

GeneDx
Classification: Uncertain significance. Last evaluated: 2025-08-07. Review status: criteria provided, single submitter. Criteria: GeneDx Variant Classification Process June 2021. Collection method: clinical testing. Allele origin: germline. Affected: yes.
Comment: In silico analysis supports that this missense variant has a deleterious effect on protein structure/function; Has not been previously published as pathogenic or benign to our knowledge

MGZ Medical Genetics Center
Classification: Uncertain significance for Autosomal recessive spinocerebellar ataxia 14. Last evaluated: 2022-05-12. Review status: criteria provided, single submitter. Criteria: ACMG Guidelines, 2015. Collection method: clinical testing. Allele origin: germline. Affected: yes. Observed: 1 variant allele.
Comment: ACMG criteria applied: PM2_SUP, PP2, PP3

NM_006946.4(SPTBN2):c.584A>G (p.Asn195Ser)

Gene: SPTBN2 (spectrin beta, non-erythrocytic 2; minus strand). Cytogenetic location: 11q13.2.
Variant type: single nucleotide variant.
Coding change: c.584A>G on transcript NM_006946.4 (MANE Select); coding-DNA position 584, A replaced by G.
Protein change: p.Asn195Ser; replaces asparagine 195 with serine.
Molecular consequence: missense variant.
Genome position (GRCh38, 1-based): chr11:66,714,163, T>C on the plus strand (A>G on the coding strand, the complement: SPTBN2 is on the minus strand). VCF-style: chr11-66714163-T-C. GRCh37 (hg19) VCF-style: chr11-66481634-T-C.
Other names: c.605A>G, p.Asn202Ser (NM_001411025.1); c.584A>G (NM_006946.2); short protein forms N195S, N202S.
Identifiers: ClinVar variation 1709393 (VCV001709393.3), dbSNP rs753891242, ClinGen allele CA6129626.